The following is an entry in ClinVar:

NM_024857.5(ATAD5):c.246C>T (p.Cys82=)

Gene: ATAD5 (ATPase family AAA domain containing 5; plus strand). Cytogenetic location: 17q11.2.
Variant type: single nucleotide variant.
Coding change: c.246C>T on transcript NM_024857.5 (MANE Select); coding-DNA position 246, C replaced by T.
Protein change: p.Cys82=; no amino-acid change (cysteine 82 retained).
Molecular consequence: synonymous variant.
Genome position (GRCh38, 1-based): chr17:30,834,327, C>T. VCF-style: chr17-30834327-C-T. GRCh37 (hg19) VCF-style: chr17-29161345-C-T.
Identifiers: ClinVar variation 2647625 (VCV002647625.24), dbSNP rs781763015, ClinGen allele CA8483447.

ClinVar aggregate classification (germline): Likely benign (1 of 4 stars; one submission).

Allele frequency attached by ClinVar (database versions not stated): gnomAD exomes 0.00003; TOPMed 0.00001; ExAC 0.00004.

Submission:

CeGaT Center for Human Genetics Tuebingen
Classification: Likely benign. Last evaluated: 2022-07-01. Review status: criteria provided, single submitter. Criteria: CeGaT Center For Human Genetics Tuebingen Variant Classification Criteria Version 2. Collection method: clinical testing. Allele origin: germline. Affected: yes. Observed: 2 variant alleles.
Comment: ATAD5: BP4, BP7